The following is an entry in ClinVar:

NM_018699.4(PRDM5):c.1282+135C>T

Gene: PRDM5 (PR/SET domain 5; minus strand). Cytogenetic location: 4q27.
Variant type: single nucleotide variant.
Coding change: c.1282+135C>T on transcript NM_018699.4 (MANE Select); 135 bases into the intron after coding-DNA position 1282, C replaced by T.
Molecular consequence: intron variant.
Genome position (GRCh38, 1-based): chr4:120,784,863, G>A on the plus strand (C>T on the coding strand, the complement: PRDM5 is on the minus strand). VCF-style: chr4-120784863-G-A. GRCh37 (hg19) VCF-style: chr4-121706018-G-A.
Other names: c.1189+135C>T (NM_001300824.2, NM_001379106.1, NM_001300823.2); c.1315+135C>T (NM_001379104.1).
Identifiers: ClinVar variation 678737 (VCV000678737.1), dbSNP rs114415063, ClinGen allele CA105118005.

ClinVar aggregate classification (germline): Likely benign (1 of 4 stars; one submission).

Allele frequency attached by ClinVar (database versions not stated): 1000 Genomes Project 0.00819; 1000 Genomes Project 30x 0.00843; gnomAD 0.01089 and 0.01143; TOPMed 0.01190.
gnomAD v4.1: 3,953 of 556,120 alleles (0.71%); highest among the groups gnomAD compares: African/African-American, 2.5%; 31 homozygotes.

Submission:

GeneDx
Classification: Likely benign. Last evaluated: 2018-06-14. Review status: criteria provided, single submitter. Criteria: GeneDx Variant Classification (06012015). Collection method: clinical testing. Allele origin: germline. Affected: yes.
Comment: This variant is considered likely benign or benign based on one or more of the following criteria: it is a conservative change, it occurs at a poorly conserved position in the protein, it is predicted to be benign by multiple in silico algorithms, and/or has population frequency not consistent with disease.